The following is an entry in ClinVar:

NM_018136.5(ASPM):c.4834A>T (p.Ile1612Phe)

Gene: ASPM (assembly factor for spindle microtubules; minus strand). Cytogenetic location: 1q31.3.
Variant type: single nucleotide variant.
Coding change: c.4834A>T on transcript NM_018136.5 (MANE Select); coding-DNA position 4834, A replaced by T.
Protein change: p.Ile1612Phe; replaces isoleucine 1612 with phenylalanine.
Molecular consequence: missense variant. On other transcripts: intron variant (1).
Genome position (GRCh38, 1-based): chr1:197,104,417, T>A on the plus strand (A>T on the coding strand, the complement: ASPM is on the minus strand). VCF-style: chr1-197104417-T-A. GRCh37 (hg19) VCF-style: chr1-197073547-T-A.
Other names: c.4066-8253A>T (NM_001206846.2); short protein forms I1612F.
Identifiers: ClinVar variation 1336823 (VCV001336823.7), dbSNP rs1464543547, ClinGen allele CA344028777.
Genomic context (GRCh38, chr1:197,104,417, plus strand): 5'-TTTTCTGGTAAGATGCTAGAACTTTCATGGCAAAAATATAAGCTCGGAAATGAGTCTGAA[T>A]TATAACAGCTGCTTTCTTCATCTTCTTATATTTCTGTCGTTGTTGATGTTTTCTTACATG-3'
Protein context (NP_060606.3, residues 1602-1622): YKKMKKAAVI[Ile1612Phe]QTHFRAYIFA

ClinVar aggregate classification (germline): Uncertain significance. Review status: criteria provided, multiple submitters, no conflicts (2 of 4 stars). 4 submissions from 4 submitters: Uncertain significance (4). Last evaluated 2025-05-19.

Conditions:
Microcephaly 5, primary, autosomal recessive (MCPH5). Also called: ASPM Primary Microcephaly. Identifiers: Orphanet 2512, MedGen C1837501, MONDO:0012106, OMIM 608716.
Inborn genetic diseases. Identifiers: MedGen C0950123, MeSH D030342.

Allele frequency attached by ClinVar (database versions not stated): gnomAD exomes below 0.00001; TOPMed below 0.00001; gnomAD 0.00001.
gnomAD v4.1: 2 of 1,612,984 alleles (0.00012%); highest among the groups gnomAD compares: Admixed American, 0.0033%; no homozygotes.

Submissions (4):

Ambry Genetics
Classification: Uncertain significance for Inborn genetic diseases. Last evaluated: 2025-05-19. Review status: criteria provided, single submitter. Criteria: Ambry Variant Classification Scheme 2023. Collection method: clinical testing. Allele origin: germline.

Genome-Nilou Lab
Classification: Uncertain significance for Microcephaly 5, primary, autosomal recessive. Last evaluated: 2023-04-11. Review status: criteria provided, single submitter. Criteria: ACMG Guidelines, 2015. Collection method: clinical testing. Allele origin: germline. Affected: no.

GeneDx
Classification: Uncertain significance. Last evaluated: 2022-08-29. Review status: criteria provided, single submitter. Criteria: GeneDx Variant Classification Process June 2021. Collection method: clinical testing. Allele origin: germline. Affected: yes.
Comment: Not observed at significant frequency in large population cohorts (gnomAD); In silico analysis supports that this missense variant has a deleterious effect on protein structure/function; Missense variant in a gene in which most reported pathogenic variants are truncating/loss of function; Has not been previously published as pathogenic or benign to our knowledge

Genetic Services Laboratory, University of Chicago
Classification: Uncertain significance. Last evaluated: 2018-09-04. Review status: criteria provided, single submitter. Criteria: ACMG Guidelines, 2015. Collection method: clinical testing. Allele origin: germline. Affected: no.